The following is an entry in ClinVar:

NM_007373.4(SHOC2):c.583A>T (p.Thr195Ser)

Gene: SHOC2 (SHOC2 leucine rich repeat scaffold protein; plus strand). Cytogenetic location: 10q25.2.
Variant type: single nucleotide variant.
Coding change: c.583A>T on transcript NM_007373.4 (MANE Select); coding-DNA position 583, A replaced by T.
Protein change: p.Thr195Ser; replaces threonine 195 with serine.
Molecular consequence: missense variant. On other transcripts: 5 prime UTR variant (1), non-coding transcript variant (1), intron variant (3).
Genome position (GRCh38, 1-based): chr10:110,964,941, A>T. VCF-style: chr10-110964941-A-T. GRCh37 (hg19) VCF-style: chr10-112724699-A-T.
Other names: c.583A>T, p.Thr195Ser (NM_001269039.3, NM_001324336.2, NM_001324337.2 and 4 more transcripts); c.-204A>T (NM_001441188.1); c.-380-20687A>T (NM_001441190.1); c.-249-20687A>T (NM_001441191.1); c.-242-35474A>T (NM_001441189.1); short protein forms T195S.
Identifiers: ClinVar variation 4744287 (VCV004744287.1).
Genomic context (GRCh38, chr10:110,964,941, plus strand): 5'-GATTTACGGCATAATAAACTGAGAGAAATTCCTTCAGTGGTGTATAGGCTGGATTCTCTC[A>T]CCACTCTTTACCTTCGCTTTAATCGTATAACTACTGTGGAAAAGGACATCAAAAACTTGT-3'
Protein context (NP_031399.2, residues 185-205): PSVVYRLDSL[Thr195Ser]TLYLRFNRIT

ClinVar aggregate classification (germline): Uncertain significance (1 of 4 stars; one submission).

Conditions:
RASopathy. Also called: rasopathies; Noonan spectrum disorder. Identifiers: Orphanet 536391, MedGen C5555857, MONDO:0021060.

Submission:

Labcorp Genetics (formerly Invitae), Labcorp
Classification: Uncertain significance for RASopathy. Last evaluated: 2025-05-19. Review status: criteria provided, single submitter. Criteria: Invitae Variant Classification Sherloc (09022015). Collection method: clinical testing. Allele origin: germline.
Comment: This sequence change replaces threonine, which is neutral and polar, with serine, which is neutral and polar, at codon 195 of the SHOC2 protein (p.Thr195Ser). This variant is not present in population databases (gnomAD no frequency). This variant has not been reported in the literature in individuals affected with SHOC2-related conditions. Invitae Evidence Modeling of protein sequence and biophysical properties (such as structural, functional, and spatial information, amino acid conservation, physicochemical variation, residue mobility, and thermodynamic stability) indicates that this missense variant is not expected to disrupt SHOC2 protein function with a negative predictive value of 80%. In summary, the available evidence is currently insufficient to determine the role of this variant in disease. Therefore, it has been classified as a Variant of Uncertain Significance.